The following is an entry in ClinVar:

NM_005334.3(HCFC1):c.4724C>G (p.Pro1575Arg)

Gene: HCFC1 (host cell factor C1; minus strand). Cytogenetic location: Xq28.
Variant type: single nucleotide variant.
Coding change: c.4724C>G on transcript NM_005334.3 (MANE Select); coding-DNA position 4724, C replaced by G.
Protein change: p.Pro1575Arg; replaces proline 1575 with arginine.
Molecular consequence: missense variant.
Genome position (GRCh38, 1-based): chrX:153,952,732, G>C on the plus strand (C>G on the coding strand, the complement: HCFC1 is on the minus strand). VCF-style: chrX-153952732-G-C. GRCh37 (hg19) VCF-style: chrX-153218183-G-C.
Other names: c.4856C>G, p.Pro1619Arg (NM_001410705.1, NM_001440843.1, NM_001440844.1); c.4853C>G, p.Pro1618Arg (NM_001440845.1, NM_001440846.1); c.4724C>G, p.Pro1575Arg (NM_001440847.1, NM_001440848.1, NM_001440849.1); c.4658C>G, p.Pro1553Arg (NM_001440850.1); c.4526C>G, p.Pro1509Arg (NM_001440851.1); short protein forms P1619R, P1575R, P1509R, P1553R, P1618R.
Identifiers: ClinVar variation 4751778 (VCV004751778.1).

ClinVar aggregate classification (germline): Uncertain significance (1 of 4 stars; one submission).

Conditions:
Methylmalonic acidemia with homocystinuria, type cblX (MAHCX). Also called: INTELLECTUAL DEVELOPMENTAL DISORDER, X-LINKED 3. Identifiers: Orphanet 369962, MedGen C0796208, MONDO:0010657, OMIM 309541.

Submission:

Labcorp Genetics (formerly Invitae), Labcorp
Classification: Uncertain significance for Methylmalonic acidemia with homocystinuria, type cblX. Last evaluated: 2025-06-11. Review status: criteria provided, single submitter. Criteria: Invitae Variant Classification Sherloc (09022015). Collection method: clinical testing. Allele origin: germline.
Comment: This sequence change replaces proline, which is neutral and non-polar, with arginine, which is basic and polar, at codon 1575 of the HCFC1 protein (p.Pro1575Arg). This variant is not present in population databases (gnomAD no frequency). This variant has not been reported in the literature in individuals affected with HCFC1-related conditions. An algorithm developed to predict the effect of missense changes on protein structure and function (PolyPhen-2) suggests that this variant is likely to be disruptive. In summary, the available evidence is currently insufficient to determine the role of this variant in disease. Therefore, it has been classified as a Variant of Uncertain Significance.